The following is an entry in ClinVar:

NM_018834.6(MATR3):c.112A>G (p.Met38Val)

Gene: MATR3 (matrin 3; plus strand). Cytogenetic location: 5q31.2.
Variant type: single nucleotide variant.
Coding change: c.112A>G on transcript NM_018834.6 (MANE Select); coding-DNA position 112, A replaced by G.
Protein change: p.Met38Val; replaces methionine 38 with valine.
Molecular consequence: missense variant. On other transcripts: intron variant (11).
Genome position (GRCh38, 1-based): chr5:139,307,527, A>G. VCF-style: chr5-139307527-A-G. GRCh37 (hg19) VCF-style: chr5-138643216-A-G.
Other names: c.112A>G, p.Met38Val (NM_001194954.2, NM_001194955.2, NM_001400441.1 and 16 more transcripts); c.52-7148A>G (NM_001400459.1); c.-102-7148A>G (NM_001400463.1, NM_001400460.1, NM_001282278.2 and 3 more transcripts); c.-40-8170A>G (NM_001400462.1, NM_001400467.1); c.13-7148A>G (NM_001400461.1); c.49-7148A>G (NM_001194956.2); short protein forms M38V.
Identifiers: ClinVar variation 1932258 (VCV001932258.5), dbSNP rs2546755035, ClinGen allele CA361486538.

ClinVar aggregate classification (germline): Uncertain significance (1 of 4 stars; one submission).

Conditions:
Amyotrophic lateral sclerosis type 21. Also called: MYOPATHY, DISTAL, 2; VOCAL CORD AND PHARYNGEAL DYSFUNCTION WITH DISTAL MYOPATHY. Identifiers: Orphanet 600, Orphanet 803, MedGen C3807521, MONDO:0011632, OMIM 606070.

Allele frequency attached by ClinVar (database versions not stated): gnomAD exomes below 0.00001.
gnomAD v4.1: 2 of 1,614,134 alleles (0.00012%); highest among the groups gnomAD compares: Non-Finnish European, 0.00017%; no homozygotes.

Submission:

Labcorp Genetics (formerly Invitae), Labcorp
Classification: Uncertain significance for Amyotrophic lateral sclerosis type 21. Last evaluated: 2023-08-17. Review status: criteria provided, single submitter. Criteria: Invitae Variant Classification Sherloc (09022015). Collection method: clinical testing. Allele origin: germline.
Comment: This variant is not present in population databases (gnomAD no frequency). This variant has not been reported in the literature in individuals affected with MATR3-related conditions. ClinVar contains an entry for this variant (Variation ID: 1932258). Advanced modeling of protein sequence and biophysical properties (such as structural, functional, and spatial information, amino acid conservation, physicochemical variation, residue mobility, and thermodynamic stability) performed at Invitae indicates that this missense variant is not expected to disrupt MATR3 protein function. In summary, the available evidence is currently insufficient to determine the role of this variant in disease. Therefore, it has been classified as a Variant of Uncertain Significance. This sequence change replaces methionine, which is neutral and non-polar, with valine, which is neutral and non-polar, at codon 38 of the MATR3 protein (p.Met38Val).